The following is an entry in ClinVar:

NM_000179.3(MSH6):c.658G>T (p.Glu220Ter)

Gene: MSH6 (mutS homolog 6; plus strand). Cytogenetic location: 2p16.3.
Variant type: single nucleotide variant.
Coding change: c.658G>T on transcript NM_000179.3 (MANE Select); coding-DNA position 658, G replaced by T.
Protein change: p.Glu220Ter; replaces glutamic acid 220 with a stop codon.
Molecular consequence: nonsense. On other transcripts: 5 prime UTR variant (9), non-coding transcript variant (4), intron variant (1).
Genome position (GRCh38, 1-based): chr2:47,798,641, G>T. VCF-style: chr2-47798641-G-T. GRCh37 (hg19) VCF-style: chr2-48025780-G-T.
Other names: c.268G>T, p.Glu90Ter (NM_001281492.2); c.-249G>T (NM_001281493.2, NM_001281494.2, NM_001406811.1 and 6 more transcripts); c.754G>T, p.Glu252Ter (NM_001406795.1, NM_001406802.1); c.658G>T, p.Glu220Ter (NM_001406796.1, NM_001406798.1, NM_001406800.1 and 4 more transcripts); c.361G>T, p.Glu121Ter (NM_001406797.1, NM_001406801.1, NM_001406805.1 and 10 more transcripts); c.133G>T, p.Glu45Ter (NM_001406799.1, NM_001406806.1, NM_001406807.1); c.580G>T, p.Glu194Ter (NM_001406804.1); c.664G>T, p.Glu222Ter (NM_001406813.1); and 2 more; short protein forms E45*, E194*, E252*, E222*, E121*, E164*, E220*, E90*.
Identifiers: ClinVar variation 4657788 (VCV004657788.1).

ClinVar aggregate classification (germline): Pathogenic (1 of 4 stars; one submission).

Conditions:
Hereditary cancer-predisposing syndrome. Also called: Neoplastic Syndromes, Hereditary; Tumor predisposition; Hereditary Cancer Syndrome; Hereditary neoplastic syndrome. Identifiers: Orphanet 140162, MedGen C0027672, MeSH D009386, MONDO:0015356.

Submission:

Ambry Genetics
Classification: Pathogenic for Hereditary cancer-predisposing syndrome. Last evaluated: 2025-11-03. Review status: criteria provided, single submitter. Criteria: Ambry Variant Classification Scheme 2023. Collection method: clinical testing. Allele origin: germline.
Comment: The p.E220* pathogenic mutation (also known as c.658G>T), located in coding exon 4 of the MSH6 gene, results from a G to T substitution at nucleotide position 658. This changes the amino acid from a glutamic acid to a stop codon within coding exon 4. This variant is considered to be rare based on population cohorts in the Genome Aggregation Database (gnomAD). This alteration is expected to result in loss of function by premature protein truncation or nonsense-mediated mRNA decay. As such, this alteration is interpreted as a disease-causing mutation.